The following is an entry in ClinVar:

ClinVar aggregate classification (germline): Likely pathogenic (1 of 4 stars; one submission).

Submission:

Labcorp Genetics (formerly Invitae), Labcorp
Classification: Likely pathogenic. Last evaluated: 2023-06-20. Review status: criteria provided, single submitter. Criteria: Invitae Variant Classification Sherloc (09022015). Collection method: clinical testing. Allele origin: germline.
Comment: In summary, the currently available evidence indicates that the variant is pathogenic, but additional data are needed to prove that conclusively. Therefore, this variant has been classified as Likely Pathogenic. A similar copy number variant has been observed in individuals with clinical features of retinitis pigmentosa (Invitae). This variant is a gross deletion of the genomic region encompassing exon(s) 5 of the RP2 gene, which includes the termination codon. This deletion extends beyond the assayed region for this gene and therefore may encompass additional genes. While this deletion is not anticipated to lead to nonsense mediated decay, it is expected to alter mRNA translation or result in a truncated protein product.

NC_000023.10:g.(?_46739101)_(46739204_?)del

Gene: RP2 (RP2 activator of ARL3 GTPase; plus strand). Cytogenetic location: Xp11.23.
Variant type: Deletion.
Identifiers: ClinVar variation 1448894 (VCV001448894.7).